The following is an entry in ClinVar:

NM_000719.7(CACNA1C):c.3933C>T (p.Cys1311=)

Gene: CACNA1C (calcium voltage-gated channel subunit alpha1 C; plus strand). Cytogenetic location: 12p13.33.
Variant type: single nucleotide variant.
Coding change: c.3933C>T on transcript NM_000719.7 (MANE Select); coding-DNA position 3933, C replaced by T.
Protein change: p.Cys1311=; no amino-acid change (cysteine 1311 retained).
Molecular consequence: synonymous variant. On other transcripts: intron variant (6).
Genome position (GRCh38, 1-based): chr12:2,648,495, C>T. VCF-style: chr12-2648495-C-T. GRCh37 (hg19) VCF-style: chr12-2757661-C-T.
Other names: p.C1311C:TGC>TGT; c.4077C>T, p.Cys1359= (NM_001129827.2, NM_199460.4); c.3933C>T, p.Cys1311= (NM_001129829.2, NM_001129830.3, NM_001129833.2 and 8 more transcripts); c.4017C>T, p.Cys1339= (NM_001129831.2); c.3993C>T, p.Cys1331= (NM_001129832.2); c.3924C>T, p.Cys1308= (NM_001129844.2); c.3913-3145C>T (NM_001167625.2, NM_001129837.2, NM_001129838.2 and 1 more transcripts); c.3907-3145C>T (NM_001129839.2); and 1 more.
Identifiers: ClinVar variation 136622 (VCV000136622.16), dbSNP rs199569953, ClinGen allele CA289841.
Genomic context (GRCh38, chr12:2,648,495, plus strand): 5'-AGACTCATTACAGCTTATCTCTATCTGCCTTTCTTTAAAGCCAGCTGAACATACCCAATG[C>T]TCTCCCTCTATGGTAAGACCAACCCTCCCGACCATGCTCCCGGCTTCCGTGTCCCCCTCT-3'
Protein context (NP_000710.5, residues 1301-1321): TEVNPAEHTQ[Cys1311=]SPSMNAEENS

ClinVar aggregate classification (germline): Benign/Likely benign. Review status: criteria provided, multiple submitters, no conflicts (2 of 4 stars). 5 submissions from 5 submitters: Benign (1); Likely benign (4). Last evaluated 2025-12-23.

Conditions:
CACNA1C-related disorder. Also called: CACNA1C-related condition; CACNA1C-related disorders. Identifiers: MedGen CN381092, MONDO:0700321.
Cardiovascular phenotype. Identifiers: MedGen CN230736.
Long QT syndrome (LQTS). Identifiers: MedGen C0023976, MeSH D008133, MONDO:0002442. Disease mechanism: loss of function. Inheritance: Various modes of inheritance.

Allele frequency attached by ClinVar (database versions not stated): gnomAD 0.00007; gnomAD exomes 0.00007 and 0.00009; 1000 Genomes Project 0.00020; ExAC 0.00009; 1000 Genomes Project 30x 0.00016; TOPMed 0.00005; ESP Exome Variant Server 0.00016.
gnomAD v4.1: 141 of 1,613,900 alleles (0.0087%); highest among the groups gnomAD compares: Non-Finnish European, 0.011%; no homozygotes.

Submissions (5):

Labcorp Genetics (formerly Invitae), Labcorp
Classification: Likely benign for Long QT syndrome. Last evaluated: 2025-12-23. Review status: criteria provided, single submitter. Criteria: Invitae Variant Classification Sherloc (09022015). Collection method: clinical testing. Allele origin: germline.

PreventionGenetics, part of Exact Sciences
Classification: Likely benign for CACNA1C-related condition. Last evaluated: 2024-12-23. Review status: criteria provided, single submitter. Criteria: ACMG Guidelines, 2015. Collection method: clinical testing. Allele origin: germline.
Comment: This variant is classified as likely benign based on ACMG/AMP sequence variant interpretation guidelines (Richards et al. 2015 PMID: 25741868, with internal and published modifications).

Blueprint Genetics
Classification: Likely benign. Last evaluated: 2024-09-12. Review status: criteria provided, single submitter. Criteria: ACMG Guidelines, 2015. Collection method: clinical testing. Allele origin: germline.

Ambry Genetics
Classification: Likely benign for Cardiovascular phenotype. Last evaluated: 2020-12-14. Review status: criteria provided, single submitter. Criteria: Ambry Variant Classification Scheme 2023. Collection method: clinical testing. Allele origin: germline.

GeneDx
Classification: Benign. Last evaluated: 2011-07-10. Review status: criteria provided, single submitter. Criteria: GeneDx Variant Classification (06012015). Collection method: clinical testing. Allele origin: germline. Affected: yes.
Comment: This variant is considered likely benign or benign based on one or more of the following criteria: it is a conservative change, it occurs at a poorly conserved position in the protein, it is predicted to be benign by multiple in silico algorithms, and/or has population frequency not consistent with disease.